The following is an entry in ClinVar:

NM_015559.3(SETBP1):c.801A>T (p.Lys267Asn)

Gene: SETBP1 (SET binding protein 1; plus strand). Cytogenetic location: 18q12.3.
Variant type: single nucleotide variant.
Coding change: c.801A>T on transcript NM_015559.3 (MANE Select); coding-DNA position 801, A replaced by T.
Protein change: p.Lys267Asn; replaces lysine 267 with asparagine.
Molecular consequence: missense variant.
Genome position (GRCh38, 1-based): chr18:44,950,141, A>T. VCF-style: chr18-44950141-A-T. GRCh37 (hg19) VCF-style: chr18-42530106-A-T.
Other names: c.801A>T, p.Lys267Asn (NM_001379141.1, NM_001379142.1, NM_001410862.1); short protein forms K267N.
Identifiers: ClinVar variation 2975502 (VCV002975502.3), dbSNP rs745946867, ClinGen allele CA8945503.
Genomic context (GRCh38, chr18:44,950,141, plus strand): 5'-CACCAGCAAGATCCCCGCTCTTGAGCCCGTGGCTTCCTTTGCAAAGGCCCAGGGTAAGAA[A>T]GGCAGTGCAGGGAACACGTGGAGTCAGTTGTCTAACAATAACAAAGATCTGCTCTTGGGA-3'
Protein context (NP_056374.2, residues 257-277): VASFAKAQGK[Lys267Asn]GSAGNTWSQL

ClinVar aggregate classification (germline): Uncertain significance (1 of 4 stars; one submission).

Allele frequency attached by ClinVar (database versions not stated): gnomAD exomes below 0.00001; ExAC 0.00001.
gnomAD v4.1: 6 of 1,613,958 alleles (0.00037%); highest among the groups gnomAD compares: South Asian, 0.0066%; no homozygotes.

Submission:

Labcorp Genetics (formerly Invitae), Labcorp
Classification: Uncertain significance. Last evaluated: 2023-10-08. Review status: criteria provided, single submitter. Criteria: Invitae Variant Classification Sherloc (09022015). Collection method: clinical testing. Allele origin: germline.
Comment: This sequence change replaces lysine, which is basic and polar, with asparagine, which is neutral and polar, at codon 267 of the SETBP1 protein (p.Lys267Asn). This variant is present in population databases (rs745946867, gnomAD 0.003%). This variant has not been reported in the literature in individuals affected with SETBP1-related conditions. Advanced modeling of protein sequence and biophysical properties (such as structural, functional, and spatial information, amino acid conservation, physicochemical variation, residue mobility, and thermodynamic stability) has been performed at Invitae for this missense variant, however the output from this modeling did not meet the statistical confidence thresholds required to predict the impact of this variant on SETBP1 protein function. In summary, the available evidence is currently insufficient to determine the role of this variant in disease. Therefore, it has been classified as a Variant of Uncertain Significance.